The following is an entry in ClinVar:

ClinVar aggregate classification (germline): Benign/Likely benign. Review status: criteria provided, multiple submitters, no conflicts (2 of 4 stars). 2 submissions from 2 submitters: Benign (1); Likely benign (1). Last evaluated 2025-11-01.

gnomAD v4.1: 2,307 of 396,613 alleles (0.58%); highest among the groups gnomAD compares: Middle Eastern, 5.1%; no homozygotes.

Submissions (2):

CeGaT Center for Human Genetics Tuebingen
Classification: Benign. Last evaluated: 2025-11-01. Review status: criteria provided, single submitter. Criteria: CeGaT Center For Human Genetics Tuebingen Variant Classification Criteria Version 2. Collection method: clinical testing. Allele origin: germline. Affected: yes. Observed: 2 variant alleles.
Comment: USP9Y: BS1, BS2

Blueprint Genetics
Classification: Likely benign. Last evaluated: 2024-11-27. Review status: criteria provided, single submitter. Criteria: ACMG Guidelines, 2015. Collection method: clinical testing. Allele origin: germline.

NM_004654.4(USP9Y):c.3178G>A (p.Ala1060Thr)

Gene: USP9Y (ubiquitin specific peptidase 9 Y-linked; plus strand). Cytogenetic location: Yq11.221.
Variant type: single nucleotide variant.
Coding change: c.3178G>A on transcript NM_004654.4 (MANE Select); coding-DNA position 3178, G replaced by A.
Protein change: p.Ala1060Thr; replaces alanine 1060 with threonine.
Molecular consequence: missense variant.
Genome position (GRCh38, 1-based): chrY:12,786,229, G>A. VCF-style: chrY-12786229-G-A. GRCh37 (hg19) VCF-style: chrY-14898163-G-A.
Other names: short protein forms A1060T.
Identifiers: ClinVar variation 3904807 (VCV003904807.11).